The following is an entry in ClinVar:

NM_006526.3(ZNF217):c.1761G>A (p.Leu587=)

Gene: ZNF217 (zinc finger protein 217; minus strand). Cytogenetic location: 20q13.2.
Variant type: single nucleotide variant.
Coding change: c.1761G>A on transcript NM_006526.3 (MANE Select); coding-DNA position 1761, G replaced by A.
Protein change: p.Leu587=; no amino-acid change (leucine 587 retained).
Molecular consequence: synonymous variant.
Genome position (GRCh38, 1-based): chr20:53,577,003, C>T on the plus strand (G>A on the coding strand, the complement: ZNF217 is on the minus strand). VCF-style: chr20-53577003-C-T. GRCh37 (hg19) VCF-style: chr20-52193542-C-T.
Other names: NC_000020.10:g.52193542C>T; c.1761G>A, p.Leu587= (NM_001385034.1).
Identifiers: ClinVar variation 2652420 (VCV002652420.25), dbSNP rs61748380, ClinGen allele CA9914631.

ClinVar aggregate classification (germline): Likely benign (1 of 4 stars; one submission).

Allele frequency attached by ClinVar (database versions not stated): 1000 Genomes Project 30x 0.00172; TOPMed 0.00173; 1000 Genomes Project 0.00180; gnomAD 0.00200; ESP Exome Variant Server 0.00208; ExAC 0.00245; gnomAD exomes 0.00310.
gnomAD v4.1: 4,773 of 1,614,188 alleles (0.3%); highest among the groups gnomAD compares: Non-Finnish European, 0.37%; 13 homozygotes.

Submissions (4):

CeGaT Center for Human Genetics Tuebingen
Classification: Likely benign. Last evaluated: 2022-10-01. Review status: criteria provided, single submitter. Criteria: CeGaT Center For Human Genetics Tuebingen Variant Classification Criteria Version 2. Collection method: clinical testing. Allele origin: germline. Affected: yes. Observed: 1 variant allele.
Comment: ZNF217: BP4, BP7

Dr. Peter K. Rogan Lab, Western University
No classification provided (evidence only). Condition: Familial cancer of breast. Review status: no classification provided. Collection method: in vitro. Allele origin: not applicable. Functional consequence: retained intron. Not counted in ClinVar's aggregate classification.

Dr. Peter K. Rogan Lab, Western University
No classification provided (evidence only). Condition: Familial cancer of breast. Review status: no classification provided. Collection method: in vitro. Allele origin: not applicable. Functional consequence: retained intron. Not counted in ClinVar's aggregate classification.

Dr. Peter K. Rogan Lab, Western University
No classification provided (evidence only). Condition: Cervical cancer. Review status: no classification provided. Collection method: in vitro. Allele origin: not applicable. Functional consequence: retained intron. Not counted in ClinVar's aggregate classification.